The following is an entry in ClinVar:

ClinVar aggregate classification (germline): Uncertain significance. Review status: criteria provided, multiple submitters, no conflicts (2 of 4 stars). 2 submissions from 2 submitters: Uncertain significance (2). Last evaluated 2022-05-20.

Conditions:
Heimler syndrome 2 (HMLR2). Also called: PEROXISOME BIOGENESIS DISORDER 4C. Identifiers: Orphanet 3220, MedGen C4225267, OMIM 616617, MONDO:0014709.
Peroxisome biogenesis disorder. Identifiers: Orphanet 79189, MedGen C1832200, MONDO:0019234. Disease mechanism: loss of function.

Allele frequency attached by ClinVar (database versions not stated): gnomAD exomes 0.00001; ExAC 0.00002; gnomAD 0.00002 and 0.00003; TOPMed 0.00002; 1000 Genomes Project 0.00020; 1000 Genomes Project 30x 0.00031.

Submissions (2):

Labcorp Genetics (formerly Invitae), Labcorp
Classification: Uncertain significance for Peroxisome biogenesis disorder. Last evaluated: 2022-05-20. Review status: criteria provided, single submitter. Criteria: Invitae Variant Classification Sherloc (09022015). Collection method: clinical testing. Allele origin: germline.
Comment: This sequence change replaces proline, which is neutral and non-polar, with serine, which is neutral and polar, at codon 697 of the PEX6 protein (p.Pro697Ser). The frequency data for this variant in the population databases is considered unreliable, as metrics indicate poor data quality at this position in the gnomAD database. This variant has not been reported in the literature in individuals affected with PEX6-related conditions. ClinVar contains an entry for this variant (Variation ID: 1031507). Algorithms developed to predict the effect of missense changes on protein structure and function (SIFT, PolyPhen-2, Align-GVGD) all suggest that this variant is likely to be disruptive. In summary, the available evidence is currently insufficient to determine the role of this variant in disease. Therefore, it has been classified as a Variant of Uncertain Significance.

Baylor Genetics
Classification: Uncertain significance for Heimler syndrome 2. Last evaluated: 2018-11-18. Review status: criteria provided, single submitter. Criteria: ACMG Guidelines, 2015. Collection method: clinical testing. Allele origin: maternal. Affected: yes.
Comment: This variant was determined to be of uncertain significance according to ACMG Guidelines, 2015 [PMID:25741868].

NM_000287.4(PEX6):c.2089C>T (p.Pro697Ser)

Gene: PEX6 (peroxisomal biogenesis factor 6; minus strand). Cytogenetic location: 6p21.1.
Variant type: single nucleotide variant.
Coding change: c.2089C>T on transcript NM_000287.4 (MANE Select); coding-DNA position 2089, C replaced by T.
Protein change: p.Pro697Ser; replaces proline 697 with serine.
Molecular consequence: missense variant. On other transcripts: non-coding transcript variant (1).
Genome position (GRCh38, 1-based): chr6:42,966,530, G>A on the plus strand (C>T on the coding strand, the complement: PEX6 is on the minus strand). VCF-style: chr6-42966530-G-A. GRCh37 (hg19) VCF-style: chr6-42934268-G-A.
Other names: c.1825C>T, p.Pro609Ser (NM_001316313.2); short protein forms P609S, P697S.
Identifiers: ClinVar variation 1031507 (VCV001031507.3), dbSNP rs543110086, ClinGen allele CA3811133.